The following is an entry in ClinVar:

ClinVar aggregate classification (germline): Uncertain significance (1 of 4 stars; one submission).

gnomAD v4.1: 10 of 1,607,210 alleles (0.00062%); highest among the groups gnomAD compares: Non-Finnish European, 0.00085%; no homozygotes.

Submission:

Labcorp Genetics (formerly Invitae), Labcorp
Classification: Uncertain significance. Last evaluated: 2025-11-01. Review status: criteria provided, single submitter. Criteria: Invitae Variant Classification Sherloc (09022015). Collection method: clinical testing. Allele origin: germline.
Comment: This sequence change replaces lysine, which is basic and polar, with asparagine, which is neutral and polar, at codon 196 of the MCM5 protein (p.Lys196Asn). This variant is not present in population databases (gnomAD no frequency). This variant has not been reported in the literature in individuals affected with MCM5-related conditions. Invitae Evidence Modeling of protein sequence and biophysical properties (such as structural, functional, and spatial information, amino acid conservation, physicochemical variation, residue mobility, and thermodynamic stability) indicates that this missense variant is not expected to disrupt MCM5 protein function with a negative predictive value of 80%. In summary, the available evidence is currently insufficient to determine the role of this variant in disease. Therefore, it has been classified as a Variant of Uncertain Significance.

NM_006739.4(MCM5):c.588G>C (p.Lys196Asn)

Gene: MCM5 (minichromosome maintenance complex component 5; plus strand). Cytogenetic location: 22q12.3.
Variant type: single nucleotide variant.
Coding change: c.588G>C on transcript NM_006739.4 (MANE Select); coding-DNA position 588, G replaced by C.
Protein change: p.Lys196Asn; replaces lysine 196 with asparagine.
Molecular consequence: missense variant.
Genome position (GRCh38, 1-based): chr22:35,406,717, G>C. VCF-style: chr22-35406717-G-C. GRCh37 (hg19) VCF-style: chr22-35802710-G-C.
Other names: short protein forms K196N.
Identifiers: ClinVar variation 4702324 (VCV004702324.1).
Genomic context (GRCh38, chr22:35,406,717, plus strand): 5'-CAACACCCTCACCAACATTGCCATGCGCCCTGGCCTCGAGGGCTATGCCCTGCCCAGGAA[G>C]TGCAACACGTGAGTCTGTGGCCCAGAGGGACTGTGGGAGGTGACCTGAGTGAAGATCAGA-3'
Protein context (NP_006730.2, residues 186-206): PGLEGYALPR[Lys196Asn]CNTDQAGRPK